The following is an entry in ClinVar:

ClinVar aggregate classification (germline): Uncertain significance (1 of 4 stars; one submission).

gnomAD v4.1: 111 of 1,612,260 alleles (0.0069%); highest among the groups gnomAD compares: Non-Finnish European, 0.009%; no homozygotes.

Submission:

Mayo Clinic Laboratories, Mayo Clinic
Classification: Uncertain significance. Last evaluated: 2025-06-10. Review status: criteria provided, single submitter. Criteria: ACMG Guidelines, 2015. Collection method: clinical testing. Allele origin: germline. Observed: 1 variant allele.
Comment: PM2_moderate

NM_001379180.1(ESRRB):c.193G>T (p.Gly65Cys)

Gene: ESRRB (estrogen related receptor beta; plus strand). Cytogenetic location: 14q24.3.
Variant type: single nucleotide variant.
Coding change: c.193G>T on transcript NM_001379180.1 (MANE Select); coding-DNA position 193, G replaced by T.
Protein change: p.Gly65Cys; replaces glycine 65 with cysteine.
Molecular consequence: missense variant.
Genome position (GRCh38, 1-based): chr14:76,439,483, G>T. VCF-style: chr14-76439483-G-T. GRCh37 (hg19) VCF-style: chr14-76905826-G-T.
Other names: p.Gly44Cys; c.145G>T, p.Gly49Cys (NM_001411038.1); c.130G>T, p.Gly44Cys (NM_004452.4); short protein forms G44C, G49C, G65C.
Identifiers: ClinVar variation 4541887 (VCV004541887.1).